The following is an entry in ClinVar:

NM_007327.4(GRIN1):c.1667A>G (p.Gln556Arg)

Gene: GRIN1 (glutamate ionotropic receptor NMDA type subunit 1; plus strand). Cytogenetic location: 9q34.3.
Variant type: single nucleotide variant.
Coding change: c.1667A>G on transcript NM_007327.4 (MANE Select); coding-DNA position 1667, A replaced by G.
Protein change: p.Gln556Arg; replaces glutamine 556 with arginine.
Molecular consequence: missense variant.
Genome position (GRCh38, 1-based): chr9:137,162,206, A>G. VCF-style: chr9-137162206-A-G. GRCh37 (hg19) VCF-style: chr9-140056658-A-G.
Other names: c.1667A>G, p.Gln556Arg (NM_000832.7, NM_021569.4); c.1730A>G, p.Gln577Arg (NM_001185090.2, NM_001185091.2); short protein forms Q556R, Q577R.
Identifiers: ClinVar variation 976358 (VCV000976358.2), dbSNP rs1833594325, ClinGen allele CA375717722.
Genomic context (GRCh38, chr9:137,162,206, plus strand): 5'-CGCGCTGACCTCGCGTCCCTCCGCAGGAGATTCCCCGGAGCACGCTGGACTCGTTCATGC[A>G]GCCGTTCCAGAGCACACTGTGGCTGCTGGTGGGGCTGTCGGTGCACGTGGTGGCCGTGAT-3'
Protein context (NP_015566.1, residues 546-566): IPRSTLDSFM[Gln556Arg]PFQSTLWLLV

ClinVar aggregate classification (germline): Likely pathogenic (1 of 4 stars; one submission).

Conditions:
Neurodevelopmental disorder with or without hyperkinetic movements and seizures, autosomal dominant. Also called: Intellectual disability, autosomal dominant 8. Identifiers: MedGen C3280282, MONDO:0013655, OMIM 614254.

Submission:

Institute of Human Genetics, University of Leipzig Medical Center
Classification: Likely pathogenic for Neurodevelopmental disorder with or without hyperkinetic movements and seizures, autosomal dominant. Last evaluated: 2021-03-11. Review status: criteria provided, single submitter. Criteria: ACMG Guidelines, 2015. Collection method: clinical testing. Allele origin: de novo. Affected: yes.
Comment: This variant was identified as de novo (maternity and paternity confirmed).